The following is an entry in ClinVar:

ClinVar aggregate classification (germline): Uncertain significance (1 of 4 stars; one submission).

Allele frequency attached by ClinVar (database versions not stated): gnomAD exomes 0.00001 and 0.00004; TOPMed 0.00002.
gnomAD v4.1: 52 of 1,601,050 alleles (0.0032%); highest among the groups gnomAD compares: Non-Finnish European, 0.0044%; no homozygotes.

Submission:

Labcorp Genetics (formerly Invitae), Labcorp
Classification: Uncertain significance. Last evaluated: 2020-12-20. Review status: criteria provided, single submitter. Criteria: Invitae Variant Classification Sherloc (09022015). Collection method: clinical testing. Allele origin: germline.
Comment: This sequence change falls in intron 7 of the FERMT1 gene. It does not directly change the encoded amino acid sequence of the FERMT1 protein. It affects a nucleotide within the consensus splice site of the intron. This variant is not present in population databases (ExAC no frequency). This variant has not been reported in the literature in individuals with FERMT1-related conditions. Nucleotide substitutions within the consensus splice site are a relatively common cause of aberrant splicing (PMID: 17576681, 9536098). Algorithms developed to predict the effect of sequence changes on RNA splicing suggest that this variant is not likely to affect RNA splicing, but this prediction has not been confirmed by published transcriptional studies. In summary, the available evidence is currently insufficient to determine the role of this variant in disease. Therefore, it has been classified as a Variant of Uncertain Significance.

Literature cited by the submitters: PubMed 17576681; PubMed 9536098.

NM_017671.5(FERMT1):c.957+6G>A

Gene: FERMT1 (FERM domain containing kindlin 1; minus strand). Cytogenetic location: 20p12.3.
Variant type: single nucleotide variant.
Coding change: c.957+6G>A on transcript NM_017671.5 (MANE Select); 6 bases into the intron after coding-DNA position 957, G replaced by A.
Molecular consequence: intron variant.
Genome position (GRCh38, 1-based): chr20:6,097,518, C>T on the plus strand (G>A on the coding strand, the complement: FERMT1 is on the minus strand). VCF-style: chr20-6097518-C-T. GRCh37 (hg19) VCF-style: chr20-6078165-C-T.
Identifiers: ClinVar variation 1430831 (VCV001430831.3), dbSNP rs1035607824, ClinGen allele CA311218875.